The following is an entry in ClinVar:

NM_015662.3(IFT172):c.1871_1872del (p.Thr624fs)

Gene: IFT172 (intraflagellar transport 172; minus strand). Cytogenetic location: 2p23.3.
Variant type: Deletion.
Coding change: c.1871_1872del on transcript NM_015662.3 (MANE Select); coding-DNA positions 1871 to 1872, 2 bases deleted (CA; older notation c.1871_1872delCA).
Protein change: p.Thr624fs; shifts the reading frame from threonine 624.
Molecular consequence: frameshift variant.
Genome position (GRCh38, 1-based): chr2:27,465,476-27,465,477, TG deleted on the plus strand (CA on the coding strand, the reverse complement: IFT172 is on the minus strand); deleting any 2 consecutive bases within chr2:27,465,476-27,465,478 gives the same sequence; the c. name uses the placement nearest the transcript's 3' end. VCF-style (leftmost placement, unchanged base first): chr2-27465475-CTG-C. GRCh37 (hg19) VCF-style: chr2-27688342-CTG-C.
Other names: c.1804_1805delAC, p.Thr602Argfs (NM_001410739.1); short protein forms T624fs.
Identifiers: ClinVar variation 2019892 (VCV002019892.5), dbSNP rs1369586774, ClinGen allele CA767386882.
Genomic context (GRCh38, chr2:27,465,475, plus strand): 5'-CCGCAATGTGTAGTTGCCTTGCCTCTAGTGCCAGTTTACTCAAGGTTTTCCACATTGCCT[CTG>C]TTTCTGGGGTCATTTCCAGAGTCTCTAAGAAGGCTGTTGCCCTGGAAAGGGAAGGAAGCA-3'

ClinVar aggregate classification (germline): Pathogenic/Likely pathogenic. Review status: criteria provided, multiple submitters, no conflicts (2 of 4 stars). 2 submissions from 2 submitters: Pathogenic (1); Likely pathogenic (1). Last evaluated 2024-04-24.

Conditions:
Bardet-Biedl syndrome 20. Identifiers: MedGen C4310707, MONDO:0023670, OMIM 619471, MONDO:0014926.
Short-rib thoracic dysplasia 10 with or without polydactyly (SRTD10). Identifiers: Orphanet 474, MedGen C3810175, MONDO:0014284, OMIM 615630.
Retinitis pigmentosa 71 (RP71). Identifiers: Orphanet 791, MedGen C4225342, MONDO:0014618, OMIM 616394.

Submissions (2):

Fulgent Genetics
Classification: Likely pathogenic for Short-rib thoracic dysplasia 10 with or without polydactyly; Retinitis pigmentosa 71; Bardet-Biedl syndrome 20. Last evaluated: 2024-04-24. Review status: criteria provided, single submitter. Criteria: ACMG Guidelines, 2015. Collection method: clinical testing. Allele origin: germline.

Labcorp Genetics (formerly Invitae), Labcorp
Classification: Pathogenic for Retinitis pigmentosa 71; Short-rib thoracic dysplasia 10 with or without polydactyly. Last evaluated: 2022-08-05. Review status: criteria provided, single submitter. Criteria: Invitae Variant Classification Sherloc (09022015). Collection method: clinical testing. Allele origin: germline.
Comment: For these reasons, this variant has been classified as Pathogenic. This variant has not been reported in the literature in individuals affected with IFT172-related conditions. This variant is not present in population databases (gnomAD no frequency). This sequence change creates a premature translational stop signal (p.Thr624Argfs*9) in the IFT172 gene. It is expected to result in an absent or disrupted protein product. Loss-of-function variants in IFT172 are known to be pathogenic (PMID: 24140113).

Literature cited by the submitters: PubMed 24140113 (cited by Labcorp Genetics (formerly Invitae), Labcorp).